The following is an entry in ClinVar:

NM_170784.3(MKKS):c.792T>C (p.Tyr264=)

Gene: MKKS (MKKS centrosomal shuttling protein; minus strand). Cytogenetic location: 20p12.2.
Variant type: single nucleotide variant.
Coding change: c.792T>C on transcript NM_170784.3 (MANE Select); coding-DNA position 792, T replaced by C.
Protein change: p.Tyr264=; no amino-acid change (tyrosine 264 retained).
Molecular consequence: synonymous variant.
Genome position (GRCh38, 1-based): chr20:10,412,723, A>G on the plus strand (T>C on the coding strand, the complement: MKKS is on the minus strand). VCF-style: chr20-10412723-A-G. GRCh37 (hg19) VCF-style: chr20-10393371-A-G.
Other names: c.792T>C, p.Tyr264= (NM_018848.3).
Identifiers: ClinVar variation 1110126 (VCV001110126.12), dbSNP rs74315397, ClinGen allele CA9763624.

ClinVar aggregate classification (germline): Likely benign. Review status: criteria provided, multiple submitters, no conflicts (2 of 4 stars). 3 submissions from 3 submitters: Likely benign (2). 1 of the submissions does not count toward it. Last evaluated 2026-01-18.

Conditions:
MKKS-related disorder. Also called: MKKS-related condition; MKKS-related disorders.
Bardet-Biedl syndrome (BBS). Identifiers: Orphanet 110, MedGen C0752166, MONDO:0015229.
McKusick-Kaufman syndrome (MKKS). Also called: HYDROMETROCOLPOS SYNDROME; HYDROMETROCOLPOS, POSTAXIAL POLYDACTYLY, AND CONGENITAL HEART MALFORMATION. Identifiers: Orphanet 2473, MedGen C0948368, MONDO:0009367, OMIM 236700.

Allele frequency attached by ClinVar (database versions not stated): ExAC 0.00002; gnomAD exomes 0.00004.
gnomAD v4.1: 96 of 1,614,062 alleles (0.0059%); highest among the groups gnomAD compares: Non-Finnish European, 0.0075%; no homozygotes.

Submissions (3):

Labcorp Genetics (formerly Invitae), Labcorp
Classification: Likely benign for McKusick-Kaufman syndrome; Bardet-Biedl syndrome. Last evaluated: 2026-01-18. Review status: criteria provided, single submitter. Criteria: Invitae Variant Classification Sherloc (09022015). Collection method: clinical testing. Allele origin: germline.

Blueprint Genetics
Classification: Likely benign. Last evaluated: 2024-07-29. Review status: criteria provided, single submitter. Criteria: ACMG Guidelines, 2015. Collection method: clinical testing. Allele origin: germline.

PreventionGenetics, part of Exact Sciences
Classification: Likely benign for MKKS-related condition. Last evaluated: 2021-11-18. Review status: no assertion criteria provided. Collection method: clinical testing. Allele origin: germline. Not counted in ClinVar's aggregate classification.
Comment: This variant is classified as likely benign based on ACMG/AMP sequence variant interpretation guidelines (Richards et al. 2015 PMID: 25741868, with internal and published modifications).